The following is an entry in ClinVar:

ClinVar aggregate classification (germline): Pathogenic. Review status: criteria provided, multiple submitters, no conflicts (2 of 4 stars). 3 submissions from 3 submitters: Pathogenic (3). Last evaluated 2025-03-04.

Submissions (3):

Mayo Clinic Laboratories, Mayo Clinic
Classification: Pathogenic. Last evaluated: 2025-03-04. Review status: criteria provided, single submitter. Criteria: ACMG Guidelines, 2015. Collection method: clinical testing. Allele origin: germline. Observed: 1 variant allele.
Comment: PP2, PM2_supporting, PVS1

GeneDx
Classification: Pathogenic. Last evaluated: 2024-06-19. Review status: criteria provided, single submitter. Criteria: GeneDx Variant Classification Process June 2021. Collection method: clinical testing. Allele origin: germline. Affected: yes.
Comment: Has been reported in a patient with osteogenesis imperfecta in the published literature (PMID: 22206639); Nonsense variant predicted to result in protein truncation or nonsense mediated decay in a gene for which loss of function is a known mechanism of disease; Not observed at significant frequency in large population cohorts (gnomAD); This variant is associated with the following publications: (PMID: 22206639)

ARUP Laboratories, Molecular Genetics and Genomics, ARUP Laboratories
Classification: Pathogenic. Last evaluated: 2021-09-09. Review status: criteria provided, single submitter. Criteria: ARUP Molecular Germline Variant Investigation Process 2021. Collection method: clinical testing. Allele origin: germline.
Comment: The COL1A1 c.3925C>T; p.Gln1309Ter variant is reported in the literature in individuals affected with osteogenesis imperfecta (OI) type I (Maioli 2019, Swinnen 2011). This variant is absent from the Genome Aggregation Database, indicating it is not a common polymorphism. This variant induces an early termination codon and is predicted to result in a truncated protein or mRNA subject to nonsense-mediated decay. Additionally, several downstream truncating variants have been described in individuals affected with OI type I (Bardai 2016, Li 2019). Based on available information, the p.Gln1309Ter variant is considered to be pathogenic. REFERENCES Bardai G et al. DNA sequence analysis in 598 individuals with a clinical diagnosis of osteogenesis imperfecta: diagnostic yield and mutation spectrum. Osteoporos Int. 2016 Dec;27(12):3607-3613. PMID: 27509835. Li L et al. Genotypic and phenotypic characterization of Chinese patients with osteogenesis imperfecta. Hum Mutat. 2019 May;40(5):588-600. PMID: 30715774. Maioli M et al. Genotype–phenotype correlation study in 364 osteogenesis imperfecta Italian patients. Eur J Hum Genet. 2019 Jul;27(7):1090-1100. PMID: 30886339. Swinnen F et al. Osteogenesis Imperfecta: the audiological phenotype lacks correlation with the genotype. Orphanet J Rare Dis. 2011 Dec 29;6:88. PMID: 22206639.

Literature cited by the submitters: PubMed 22206639 (cited by Mayo Clinic Laboratories, Mayo Clinic); PubMed 22753364 (cited by Mayo Clinic Laboratories, Mayo Clinic); PubMed 30886339 (cited by Mayo Clinic Laboratories, Mayo Clinic).

NM_000088.4(COL1A1):c.3925C>T (p.Gln1309Ter)

Gene: COL1A1 (collagen type I alpha 1 chain; minus strand). Cytogenetic location: 17q21.33.
Variant type: single nucleotide variant.
Coding change: c.3925C>T on transcript NM_000088.4 (MANE Select); coding-DNA position 3925, C replaced by T.
Protein change: p.Gln1309Ter; replaces glutamine 1309 with a stop codon.
Molecular consequence: nonsense.
Genome position (GRCh38, 1-based): chr17:50,186,397, G>A on the plus strand (C>T on the coding strand, the complement: COL1A1 is on the minus strand). VCF-style: chr17-50186397-G-A. GRCh37 (hg19) VCF-style: chr17-48263758-G-A.
Other names: p.Gln1309*; c.3925C>T (NM_000088.3); short protein forms Q1309*.
Identifiers: ClinVar variation 1330715 (VCV001330715.9), dbSNP rs2144534607, ClinGen allele CA400193451.
Genomic context (GRCh38, chr17:50,186,397, plus strand): 5'-TCTCGCCGAACCAGACATGCCTCTTGTCCTTGGGGTTCTTGCTGATGTACCAGTTCTTCT[G>A]GGCCACACTGGGCTGAGTGGGGTACACGCAGGTCTCACCAGTCTCCATGTTGCAGAAGAC-3'